The following is an entry in ClinVar:

NM_022336.4(EDAR):c.1208C>T (p.Thr403Met)

Genes: EDAR (ectodysplasin A receptor; minus strand), RANBP2 (RAN binding protein 2; plus strand). Cytogenetic location: 2q13.
Variant type: single nucleotide variant.
Coding change: c.1208C>T on transcript NM_022336.4 (MANE Select); coding-DNA position 1208, C replaced by T.
Protein change: p.Thr403Met; replaces threonine 403 with methionine.
Molecular consequence: missense variant.
Genome position (GRCh38, 1-based): chr2:108,897,046, G>A on the plus strand (C>T on the coding strand, the complement: EDAR is on the minus strand). VCF-style: chr2-108897046-G-A. GRCh37 (hg19) VCF-style: chr2-109513502-G-A.
Other names: short protein forms T403M.
Identifiers: ClinVar variation 951857 (VCV000951857.9), dbSNP rs1696610832, ClinGen allele CA348047975.

ClinVar aggregate classification (germline): Pathogenic (1 of 4 stars; one submission).

Conditions:
Autosomal recessive hypohidrotic ectodermal dysplasia syndrome. Also called: Autosomal recessive hypohidrotic ectodermal dysplasia. Identifiers: Orphanet 248, MedGen C0406702, MONDO:0016619.
Ectodermal dysplasia 10A, hypohidrotic/hair/nail type, autosomal dominant (ECTD10A). Also called: Ectodermal Dysplasia 3, Anhidrotic. Identifiers: Orphanet 1810, Orphanet 238468, MedGen C3888065, MONDO:0007509, OMIM 129490.

Allele frequency attached by ClinVar (database versions not stated): gnomAD exomes below 0.00001.
gnomAD v4.1: 5 of 1,614,174 alleles (0.00031%); highest among the groups gnomAD compares: South Asian, 0.0022%; no homozygotes.

Submission:

Labcorp Genetics (formerly Invitae), Labcorp
Classification: Pathogenic for Ectodermal dysplasia 10A, hypohidrotic/hair/nail type, autosomal dominant; Autosomal recessive hypohidrotic ectodermal dysplasia syndrome. Last evaluated: 2023-11-10. Review status: criteria provided, single submitter. Criteria: Invitae Variant Classification Sherloc (09022015). Collection method: clinical testing. Allele origin: germline.
Comment: This sequence change replaces threonine, which is neutral and polar, with methionine, which is neutral and non-polar, at codon 403 of the EDAR protein (p.Thr403Met). This variant is not present in population databases (gnomAD no frequency). This missense change has been observed in individual(s) with ectodermal dysplasia (PMID: 20236127, 20979233; Invitae). It has also been observed to segregate with disease in related individuals. ClinVar contains an entry for this variant (Variation ID: 951857). Advanced modeling of protein sequence and biophysical properties (such as structural, functional, and spatial information, amino acid conservation, physicochemical variation, residue mobility, and thermodynamic stability) performed at Invitae indicates that this missense variant is not expected to disrupt EDAR protein function with a negative predictive value of 95%. For these reasons, this variant has been classified as Pathogenic.

Literature cited by the submitters: PubMed 20236127; PubMed 20979233.